The following is an entry in ClinVar:

NM_001080414.4(CCDC88C):c.3143C>A (p.Ala1048Asp)

Gene: CCDC88C (coiled-coil and HOOK domain protein 88C; minus strand). Cytogenetic location: 14q32.11.
Variant type: single nucleotide variant.
Coding change: c.3143C>A on transcript NM_001080414.4 (MANE Select); coding-DNA position 3143, C replaced by A.
Protein change: p.Ala1048Asp; replaces alanine 1048 with aspartic acid.
Molecular consequence: missense variant. On other transcripts: non-coding transcript variant (2).
Genome position (GRCh38, 1-based): chr14:91,307,090, G>T on the plus strand (C>A on the coding strand, the complement: CCDC88C is on the minus strand). VCF-style: chr14-91307090-G-T. GRCh37 (hg19) VCF-style: chr14-91773434-G-T.
Other names: short protein forms A1048D.
Identifiers: ClinVar variation 3664086 (VCV003664086.2).

ClinVar aggregate classification (germline): Uncertain significance (1 of 4 stars; one submission).

Submission:

Labcorp Genetics (formerly Invitae), Labcorp
Classification: Uncertain significance. Last evaluated: 2024-08-31. Review status: criteria provided, single submitter. Criteria: Invitae Variant Classification Sherloc (09022015). Collection method: clinical testing. Allele origin: germline.
Comment: This sequence change replaces alanine, which is neutral and non-polar, with aspartic acid, which is acidic and polar, at codon 1048 of the CCDC88C protein (p.Ala1048Asp). This variant is not present in population databases (gnomAD no frequency). This variant has not been reported in the literature in individuals affected with CCDC88C-related conditions. An algorithm developed to predict the effect of missense changes on protein structure and function (PolyPhen-2) suggests that this variant is likely to be disruptive. In summary, the available evidence is currently insufficient to determine the role of this variant in disease. Therefore, it has been classified as a Variant of Uncertain Significance.